The following is an entry in ClinVar:

ClinVar aggregate classification (germline): Uncertain significance (1 of 4 stars; one submission).

Submission:

GeneDx
Classification: Uncertain significance. Last evaluated: 2024-04-18. Review status: criteria provided, single submitter. Criteria: GeneDx Variant Classification Process June 2021. Collection method: clinical testing. Allele origin: germline. Affected: yes.
Comment: Not observed at significant frequency in large population cohorts (gnomAD); In silico analysis indicates that this missense variant does not alter protein structure/function; Has not been previously published as pathogenic or benign to our knowledge

NM_001099922.3(ALG13):c.1334A>G (p.Glu445Gly)

Gene: ALG13 (ALG13 UDP-N-acetylglucosaminyltransferase subunit; plus strand). Cytogenetic location: Xq23.
Variant type: single nucleotide variant.
Coding change: c.1334A>G on transcript NM_001099922.3 (MANE Select); coding-DNA position 1334, A replaced by G.
Protein change: p.Glu445Gly; replaces glutamic acid 445 with glycine.
Molecular consequence: missense variant. On other transcripts: intron variant (1).
Genome position (GRCh38, 1-based): chrX:111,721,610, A>G. VCF-style: chrX-111721610-A-G. GRCh37 (hg19) VCF-style: chrX-110964838-A-G.
Other names: c.1022A>G, p.Glu341Gly (NM_001257230.2, NM_001257234.2, NM_001257237.2); c.1100A>G, p.Glu367Gly (NM_001257231.2); c.1334A>G, p.Glu445Gly (NM_001324292.2); c.1014+1440A>G (NM_001324293.1); short protein forms E341G, E367G, E445G.
Identifiers: ClinVar variation 3372781 (VCV003372781.1).